The following is an entry in ClinVar:

NM_000122.2(ERCC3):c.29-15G>T

Gene: ERCC3 (ERCC excision repair 3, TFIIH core complex helicase subunit; minus strand). Cytogenetic location: 2q14.3.
Variant type: single nucleotide variant.
Coding change: c.29-15G>T on transcript NM_000122.2 (MANE Select); 15 bases into the intron before coding-DNA position 29, G replaced by T.
Molecular consequence: intron variant.
Genome position (GRCh38, 1-based): chr2:127,293,733, C>A on the plus strand (G>T on the coding strand, the complement: ERCC3 is on the minus strand). VCF-style: chr2-127293733-C-A. GRCh37 (hg19) VCF-style: chr2-128051309-C-A.
Other names: c.-164-15G>T (NM_001303416.2, NM_001303418.2).
Identifiers: ClinVar variation 331095 (VCV000331095.14), dbSNP rs188356418, ClinGen allele CA1858639.

ClinVar aggregate classification (germline): Benign/Likely benign. Review status: criteria provided, multiple submitters, no conflicts (2 of 4 stars). 4 submissions from 4 submitters: Benign (1); Likely benign (3). Last evaluated 2026-01-11.

Conditions:
Xeroderma pigmentosum group B. Also called: XPB/CS; XERODERMA PIGMENTOSUM B/COCKAYNE SYNDROME; XP, GROUP B; ERCC3-Related Xeroderma Pigmentosum. Identifiers: MedGen C0268136, MONDO:0012531, OMIM 610651.

Allele frequency attached by ClinVar (database versions not stated): gnomAD 0.00016; gnomAD exomes 0.00033; ExAC 0.00035; TOPMed 0.00053; 1000 Genomes Project 30x 0.00094; 1000 Genomes Project 0.00100.
gnomAD v4.1: 140 of 1,609,702 alleles (0.0087%); highest among the groups gnomAD compares: East Asian, 0.29%; no homozygotes.

Submissions (4):

Labcorp Genetics (formerly Invitae), Labcorp
Classification: Benign. Last evaluated: 2026-01-11. Review status: criteria provided, single submitter. Criteria: Invitae Variant Classification Sherloc (09022015). Collection method: clinical testing. Allele origin: germline.

Blueprint Genetics
Classification: Likely benign. Last evaluated: 2024-06-24. Review status: criteria provided, single submitter. Criteria: ACMG Guidelines, 2015. Collection method: clinical testing. Allele origin: germline.

Illumina Laboratory Services, Illumina
Classification: Likely benign for Xeroderma pigmentosum group B. Last evaluated: 2018-01-13. Review status: criteria provided, single submitter. Criteria: ICSL Variant Classification Criteria 13 December 2019. Collection method: clinical testing. Allele origin: germline.
Comment: This variant was observed in the ICSL laboratory as part of a predisposition screen in an ostensibly healthy population. It had not been previously curated by ICSL or reported in the Human Gene Mutation Database (HGMD: prior to June 1st, 2018), and was therefore a candidate for classification through an automated scoring system. Utilizing variant allele frequency, disease prevalence and penetrance estimates, and inheritance mode, an automated score was calculated to assess if this variant is too frequent to cause the disease. Based on the score and internal cut-off values, a variant classified as likely benign is not then subjected to further curation. The score for this variant resulted in a classification of likely benign for this disease.

Breakthrough Genomics
Classification: Likely benign. Review status: criteria provided, single submitter. Criteria: ACMG Guidelines, 2015. Collection method: not provided. Allele origin: germline. Inheritance: Autosomal recessive inheritance. Affected: yes.